The following is an entry in ClinVar:

ClinVar aggregate classification (germline): Likely benign (0 of 4 stars; one submission).

Conditions:
GRIK5-related disorder. Also called: GRIK5-related condition.

Allele frequency attached by ClinVar (database versions not stated): 1000 Genomes Project 30x 0.00078; 1000 Genomes Project 0.00100; ExAC 0.00120; gnomAD 0.00127; TOPMed 0.00142; ESP Exome Variant Server 0.00208; gnomAD exomes 0.00211.
gnomAD v4.1: 3,228 of 1,608,724 alleles (0.2%); highest among the groups gnomAD compares: Non-Finnish European, 0.25%; 7 homozygotes.

Submission:

PreventionGenetics, part of Exact Sciences
Classification: Likely benign for GRIK5-related condition. Last evaluated: 2022-02-22. Review status: no assertion criteria provided. Collection method: clinical testing. Allele origin: germline.
Comment: This variant is classified as likely benign based on ACMG/AMP sequence variant interpretation guidelines (Richards et al. 2015 PMID: 25741868, with internal and published modifications).

NM_002088.5(GRIK5):c.1054A>G (p.Met352Val)

Gene: GRIK5 (glutamate ionotropic receptor kainate type subunit 5; minus strand). Cytogenetic location: 19q13.2.
Variant type: single nucleotide variant.
Coding change: c.1054A>G on transcript NM_002088.5 (MANE Select); coding-DNA position 1054, A replaced by G.
Protein change: p.Met352Val; replaces methionine 352 with valine.
Molecular consequence: missense variant.
Genome position (GRCh38, 1-based): chr19:42,054,322, T>C on the plus strand (A>G on the coding strand, the complement: GRIK5 is on the minus strand). VCF-style: chr19-42054322-T-C. GRCh37 (hg19) VCF-style: chr19-42558474-T-C.
Other names: c.1054A>G, p.Met352Val (NM_001301030.2); short protein forms M352V.
Identifiers: ClinVar variation 3037704 (VCV003037704.2), dbSNP rs146585971, ClinGen allele CA9468524.